The following is an entry in ClinVar:

ClinVar aggregate classification (germline): Uncertain significance (1 of 4 stars; one submission).

Conditions:
Familial cancer of breast. Also called: BREAST CANCER, FAMILIAL; hereditary breast carcinoma; Hereditary breast cancer. Identifiers: Orphanet 227535, MedGen C0346153, MONDO:0016419, OMIM 114480. Disease mechanism: loss of function.

gnomAD v4.1: 6 of 1,612,704 alleles (0.00037%); highest among the groups gnomAD compares: Non-Finnish European, 0.00051%; no homozygotes.

Submission:

Labcorp Genetics (formerly Invitae), Labcorp
Classification: Uncertain significance for Familial cancer of breast. Last evaluated: 2024-04-29. Review status: criteria provided, single submitter. Criteria: Invitae Variant Classification Sherloc (09022015). Collection method: clinical testing. Allele origin: germline.
Comment: This sequence change replaces leucine, which is neutral and non-polar, with valine, which is neutral and non-polar, at codon 57 of the BARD1 protein (p.Leu57Val). This variant is not present in population databases (gnomAD no frequency). This variant has not been reported in the literature in individuals affected with BARD1-related conditions. An algorithm developed to predict the effect of missense changes on protein structure and function (PolyPhen-2) suggests that this variant is likely to be disruptive. In summary, the available evidence is currently insufficient to determine the role of this variant in disease. Therefore, it has been classified as a Variant of Uncertain Significance.

NM_000465.4(BARD1):c.169C>G (p.Leu57Val)

Gene: BARD1 (BRCA1 associated RING domain 1; minus strand). Cytogenetic location: 2q35.
Variant type: single nucleotide variant.
Coding change: c.169C>G on transcript NM_000465.4 (MANE Select); coding-DNA position 169, C replaced by G.
Protein change: p.Leu57Val; replaces leucine 57 with valine.
Molecular consequence: missense variant. On other transcripts: non-coding transcript variant (2), intron variant (2).
Genome position (GRCh38, 1-based): chr2:214,797,107, G>C on the plus strand (C>G on the coding strand, the complement: BARD1 is on the minus strand). VCF-style: chr2-214797107-G-C. GRCh37 (hg19) VCF-style: chr2-215661831-G-C.
Other names: c.169C>G, p.Leu57Val (NM_001282545.2, NM_001282549.2); c.158+12305C>G (NM_001282548.2); c.159-4662C>G (NM_001282543.2); short protein forms L57V.
Identifiers: ClinVar variation 3616578 (VCV003616578.2).